The following is an entry in ClinVar:

NM_015373.4(CBY1):c.64_65dup (p.Asn23fs)

Gene: CBY1 (chibby 1, beta catenin antagonist; plus strand). Cytogenetic location: 22q13.1.
Variant type: Microsatellite.
Coding change: c.64_65dup on transcript NM_015373.4 (MANE Select); coding-DNA positions 64 to 65, 2 bases duplicated (TC; older notation c.64_65dupTC).
Protein change: p.Asn23fs; shifts the reading frame from asparagine 23.
Molecular consequence: frameshift variant.
Genome position (GRCh38, 1-based): chr22:38,668,118-38,668,119, TC duplicated; duplicating any 2 consecutive bases within chr22:38,668,112-38,668,119 gives the same sequence; the c. name uses the placement nearest the transcript's 3' end. VCF-style (leftmost placement, unchanged base first): chr22-38668111-A-ATC. GRCh37 (hg19) VCF-style: chr22-39064116-A-ATC.
Other names: c.64_65dup (NM_015373.3); c.64_65dup, p.Asn23fs (NM_001002880.4); short protein forms N23fs.
Identifiers: ClinVar variation 694265 (VCV000694265.1), dbSNP rs1318058212, ClinGen allele CA639245587.

ClinVar aggregate classification (germline): Pathogenic (0 of 4 stars; one submission).

Conditions:
Joubert syndrome. Also called: CEREBELLOPARENCHYMAL DISORDER IV; JOUBERT-BOLTSHAUSER SYNDROME; Familial aplasia of the vermis. Identifiers: Orphanet 475, MedGen C5979921, MONDO:0018772.

Submission:

Department of Medical Genetics, Oslo University Hospital
Classification: Pathogenic for Joubert syndrome. Last evaluated: 2018-01-01. Review status: no assertion criteria provided. Collection method: research. Allele origin: germline. Affected: yes.
Comment: Hold until published

Literature cited by the submitters: PubMed 33131181.